The following is an entry in ClinVar:

NM_001378778.1(MPDZ):c.5631C>G (p.Ile1877Met)

Gene: MPDZ (multiple PDZ domain crumbs cell polarity complex component; minus strand). Cytogenetic location: 9p23.
Variant type: single nucleotide variant.
Coding change: c.5631C>G on transcript NM_001378778.1 (MANE Select); coding-DNA position 5631, C replaced by G.
Protein change: p.Ile1877Met; replaces isoleucine 1877 with methionine.
Molecular consequence: missense variant.
Genome position (GRCh38, 1-based): chr9:13,112,117, G>C on the plus strand (C>G on the coding strand, the complement: MPDZ is on the minus strand). VCF-style: chr9-13112117-G-C. GRCh37 (hg19) VCF-style: chr9-13112116-A-C.
Other names: c.5532C>G, p.Ile1844Met (NM_001261406.2, NM_001375416.1, NM_001375417.1 and 1 more transcripts); c.5445C>G, p.Ile1815Met (NM_001261407.2, NM_001375419.1); c.5631C>G, p.Ile1877Met (NM_001330637.2); c.5730C>G, p.Ile1910Met (NM_001375413.1); c.5421C>G, p.Ile1807Met (NM_001375420.1, NM_001375421.1, NM_001375422.1 and 2 more transcripts); c.5334C>G, p.Ile1778Met (NM_001375425.1, NM_001375426.1); c.5223C>G, p.Ile1741Met (NM_001375427.1); c.5544C>G, p.Ile1848Met (NM_003829.5); short protein forms I1741M, I1778M, I1807M, I1815M, I1844M, I1848M, I1877M, I1910M.
Identifiers: ClinVar variation 1018194 (VCV001018194.5), dbSNP rs10809904, ClinGen allele CA4986170.

ClinVar aggregate classification (germline): Uncertain significance (1 of 4 stars; one submission).

Allele frequency attached by ClinVar (database versions not stated): TOPMed 0.00004.
gnomAD v4.1: 26 of 1,612,946 alleles (0.0016%); highest among the groups gnomAD compares: Non-Finnish European, 0.002%; no homozygotes.

Submission:

Labcorp Genetics (formerly Invitae), Labcorp
Classification: Uncertain significance. Last evaluated: 2025-05-14. Review status: criteria provided, single submitter. Criteria: Invitae Variant Classification Sherloc (09022015). Collection method: clinical testing. Allele origin: germline.
Comment: This sequence change replaces isoleucine, which is neutral and non-polar, with methionine, which is neutral and non-polar, at codon 1848 of the MPDZ protein (p.Ile1848Met). This variant is present in population databases (rs10809904, gnomAD 0.005%). This missense change has been observed in individual(s) with retinitis pigmentosa (internal data). ClinVar contains an entry for this variant (Variation ID: 1018194). Experimental studies and prediction algorithms are not available or were not evaluated, and the functional significance of this variant is currently unknown. In summary, the available evidence is currently insufficient to determine the role of this variant in disease. Therefore, it has been classified as a Variant of Uncertain Significance.